The following is an entry in ClinVar:

NM_002485.5(NBN):c.1031A>G (p.Gln344Arg)

Gene: NBN (nibrin; minus strand). Cytogenetic location: 8q21.3.
Variant type: single nucleotide variant.
Coding change: c.1031A>G on transcript NM_002485.5 (MANE Select); coding-DNA position 1031, A replaced by G.
Protein change: p.Gln344Arg; replaces glutamine 344 with arginine.
Molecular consequence: missense variant.
Genome position (GRCh38, 1-based): chr8:89,958,818, T>C on the plus strand (A>G on the coding strand, the complement: NBN is on the minus strand). VCF-style: chr8-89958818-T-C. GRCh37 (hg19) VCF-style: chr8-90971046-T-C.
Other names: c.785A>G, p.Gln262Arg (NM_001024688.3); short protein forms Q262R, Q344R.
Identifiers: ClinVar variation 1463768 (VCV001463768.8), dbSNP rs2129746440, ClinGen allele CA371656751.
Genomic context (GRCh38, chr8:89,958,818, plus strand): 5'-ACGTATGTTGTAGTGTTCACTGGGGCGCTTGGCATTAGTTTTTCATCAACTGACACGCCT[T>C]GTGAAAGGCTTGGTCCTGGAGTTGTTGTCTTTAATCCTGTAAATCACACAAGTAGAAAGA-3'
Protein context (NP_002476.2, residues 334-354): KTTTPGPSLS[Gln344Arg]GVSVDEKLMP

ClinVar aggregate classification (germline): Uncertain significance (1 of 4 stars; one submission).

Conditions:
Microcephaly, normal intelligence and immunodeficiency (NBS). Also called: BERLIN BREAKAGE SYNDROME; Immunodeficiency, microcephaly with normal intelligence; Nijmegen breakage syndrome; Microcephaly with normal intelligence immunodeficiency and lymphoreticular malignancies; Nonsyndromal microcephaly autosomal recessive with normal intelligence; Seemanova syndrome 2. Identifiers: Orphanet 647, MedGen C0398791, MONDO:0009623, OMIM 251260.

Submission:

Labcorp Genetics (formerly Invitae), Labcorp
Classification: Uncertain significance for Microcephaly, normal intelligence and immunodeficiency. Last evaluated: 2023-08-18. Review status: criteria provided, single submitter. Criteria: Invitae Variant Classification Sherloc (09022015). Collection method: clinical testing. Allele origin: germline.
Comment: This variant is not present in population databases (gnomAD no frequency). In summary, the available evidence is currently insufficient to determine the role of this variant in disease. Therefore, it has been classified as a Variant of Uncertain Significance. An algorithm developed to predict the effect of missense changes on protein structure and function (PolyPhen-2) suggests that this variant is likely to be disruptive. ClinVar contains an entry for this variant (Variation ID: 1463768). This variant has not been reported in the literature in individuals affected with NBN-related conditions. This sequence change replaces glutamine, which is neutral and polar, with arginine, which is basic and polar, at codon 344 of the NBN protein (p.Gln344Arg).